The following is an entry in ClinVar:

ClinVar aggregate classification (germline): Uncertain significance. Review status: criteria provided, multiple submitters, no conflicts (2 of 4 stars). 4 submissions from 4 submitters: Uncertain significance (4). Last evaluated 2025-06-06.

Conditions:
Catecholaminergic polymorphic ventricular tachycardia 1. Also called: VENTRICULAR TACHYCARDIA, CATECHOLAMINERGIC POLYMORPHIC, 1, WITH OR WITHOUT ATRIAL DYSFUNCTION AND/OR DILATED CARDIOMYOPATHY; RYR2-Related Catecholaminergic Polymorphic Ventricular Tachycardia; VENTRICULAR TACHYCARDIA, STRESS-INDUCED POLYMORPHIC 1. Identifiers: Orphanet 3286, MedGen C1631597, MONDO:0011484, OMIM 604772.
Catecholaminergic polymorphic ventricular tachycardia (CVPT). Also called: Catecholamine-induced polymorphic ventricular tachycardia. Identifiers: Orphanet 3286, MedGen C5574922, MONDO:0017990.
Cardiomyopathy (CMYO). Also called: Cardiomyopathies. Identifiers: Orphanet 167848, MedGen C0878544, MONDO:0004994, HP:0001638. Inheritance: Various modes of inheritance.
Cardiovascular phenotype. Identifiers: MedGen CN230736.

Allele frequency attached by ClinVar (database versions not stated): ESP Exome Variant Server 0.00008; gnomAD 0.00001; gnomAD exomes 0.00001; TOPMed 0.00001; ExAC 0.00002.
gnomAD v4.1: 16 of 1,613,858 alleles (0.00099%); highest among the groups gnomAD compares: Non-Finnish European, 0.0014%; no homozygotes.

Submissions (4):

Ambry Genetics
Classification: Uncertain significance for Cardiovascular phenotype. Last evaluated: 2025-06-06. Review status: criteria provided, single submitter. Criteria: Ambry Variant Classification Scheme 2023. Collection method: clinical testing. Allele origin: germline.
Comment: The p.E2570K variant (also known as c.7708G>A), located in coding exon 50 of the RYR2 gene, results from a G to A substitution at nucleotide position 7708. The glutamic acid at codon 2570 is replaced by lysine, an amino acid with similar properties. This amino acid position is highly conserved in available vertebrate species. In addition, this alteration is predicted to be deleterious by in silico analysis. Based on the available evidence, the clinical significance of this variant remains unclear.

Color Diagnostics, LLC DBA Color Health
Classification: Uncertain significance for Cardiomyopathy. Last evaluated: 2025-05-30. Review status: criteria provided, single submitter. Criteria: ACMG Guidelines, 2015. Collection method: clinical testing. Allele origin: germline.
Comment: This missense variant replaces glutamic acid with lysine at codon 2570 of the RYR2 protein. Computational prediction suggests that this variant may have a deleterious impact on protein structure and function. To our knowledge, functional studies have not been reported for this variant. This variant has not been reported in individuals affected with RYR2-related disorders in the literature. This variant has been identified in 3/249256 chromosomes in the general population by the Genome Aggregation Database (gnomAD). The available evidence is insufficient to determine the role of this variant in disease conclusively. Therefore, this variant is classified as a Variant of Uncertain Significance.

Labcorp Genetics (formerly Invitae), Labcorp
Classification: Uncertain significance for Catecholaminergic polymorphic ventricular tachycardia 1. Last evaluated: 2024-07-22. Review status: criteria provided, single submitter. Criteria: Invitae Variant Classification Sherloc (09022015). Collection method: clinical testing. Allele origin: germline.
Comment: This sequence change replaces glutamic acid, which is acidic and polar, with lysine, which is basic and polar, at codon 2570 of the RYR2 protein (p.Glu2570Lys). This variant is present in population databases (rs368673631, gnomAD 0.003%). This missense change has been observed in individual(s) with clinical features of RYR2-related conditions (PMID: 32152366; Invitae). Advanced modeling of protein sequence and biophysical properties (such as structural, functional, and spatial information, amino acid conservation, physicochemical variation, residue mobility, and thermodynamic stability) performed at Invitae indicates that this missense variant is expected to disrupt RYR2 protein function with a positive predictive value of 80%. Algorithms developed to predict the effect of sequence changes on RNA splicing suggest that this variant may disrupt the consensus splice site. In summary, the available evidence is currently insufficient to determine the role of this variant in disease. Therefore, it has been classified as a Variant of Uncertain Significance.

All of Us Research Program, National Institutes of Health
Classification: Uncertain significance for Catecholaminergic polymorphic ventricular tachycardia. Last evaluated: 2023-04-27. Review status: criteria provided, single submitter. Criteria: ACMG Guidelines, 2015. Collection method: clinical testing. Allele origin: germline. Inheritance: Autosomal dominant inheritance. Observed: 1 variant allele, 1 heterozygote.
Comment: This study involves interpretation of variants in research participants for the purpose of population health screening. Participant phenotype was not available at the time of variant classification. Additional details can be found in publication PMID: 35346344, PMCID: PMC8962531

Literature cited by the submitters: PubMed 32152366 (cited by Ambry Genetics and Labcorp Genetics (formerly Invitae), Labcorp).

NM_001035.3(RYR2):c.7708G>A (p.Glu2570Lys)

Gene: RYR2 (ryanodine receptor 2; plus strand). Cytogenetic location: 1q43.
Variant type: single nucleotide variant.
Coding change: c.7708G>A on transcript NM_001035.3 (MANE Select); coding-DNA position 7708, G replaced by A.
Protein change: p.Glu2570Lys; replaces glutamic acid 2570 with lysine.
Molecular consequence: missense variant.
Genome position (GRCh38, 1-based): chr1:237,650,072, G>A. VCF-style: chr1-237650072-G-A. GRCh37 (hg19) VCF-style: chr1-237813372-G-A.
Other names: c.7708G>A (NM_001035.2); short protein forms E2570K.
Identifiers: ClinVar variation 3070595 (VCV003070595.5), dbSNP rs368673631, ClinGen allele CA087456.